The following is an entry in ClinVar:

ClinVar aggregate classification (germline): Benign/Likely benign. Review status: criteria provided, multiple submitters, no conflicts (2 of 4 stars). 4 submissions from 4 submitters: Benign (1); Likely benign (3). Last evaluated 2025-03-07.

Conditions:
Hereditary cancer-predisposing syndrome. Also called: Hereditary neoplastic syndrome; Neoplastic Syndromes, Hereditary; Hereditary Cancer Syndrome; Tumor predisposition. Identifiers: Orphanet 140162, MedGen C0027672, MeSH D009386, MONDO:0015356.
Familial cancer of breast. Also called: BREAST CANCER, FAMILIAL; Hereditary breast cancer; hereditary breast carcinoma. Identifiers: Orphanet 227535, MedGen C0346153, MONDO:0016419, OMIM 114480. Disease mechanism: loss of function.

Allele frequency attached by ClinVar (database versions not stated): TOPMed below 0.00001.

Submissions (4):

Quest Diagnostics Nichols Institute San Juan Capistrano
Classification: Likely benign. Last evaluated: 2025-03-07. Review status: criteria provided, single submitter. Criteria: Quest Diagnostics criteria. Collection method: clinical testing. Allele origin: unknown.

Labcorp Genetics (formerly Invitae), Labcorp
Classification: Likely benign for Familial cancer of breast. Last evaluated: 2024-08-29. Review status: criteria provided, single submitter. Criteria: Invitae Variant Classification Sherloc (09022015). Collection method: clinical testing. Allele origin: germline.

Myriad Genetics, Inc.
Classification: Benign for Familial cancer of breast. Last evaluated: 2024-07-26. Review status: criteria provided, single submitter. Criteria: Myriad Autosomal Dominant, Autosomal Recessive and X-Linked Classification Criteria (2023). Collection method: clinical testing. Allele origin: unknown.
Comment: This variant is considered benign. This variant is a silent/synonymous amino acid change and it is not expected to impact splicing.

Ambry Genetics
Classification: Likely benign for Hereditary cancer-predisposing syndrome. Last evaluated: 2022-09-05. Review status: criteria provided, single submitter. Criteria: Ambry Variant Classification Scheme 2023. Collection method: clinical testing. Allele origin: germline.

NM_000465.4(BARD1):c.1797G>A (p.Glu599=)

Gene: BARD1 (BRCA1 associated RING domain 1; minus strand). Cytogenetic location: 2q35.
Variant type: single nucleotide variant.
Coding change: c.1797G>A on transcript NM_000465.4 (MANE Select); coding-DNA position 1797, G replaced by A.
Protein change: p.Glu599=; no amino-acid change (glutamic acid 599 retained).
Molecular consequence: synonymous variant. On other transcripts: non-coding transcript variant (3), intron variant (1).
Genome position (GRCh38, 1-based): chr2:214,745,735, C>T on the plus strand (G>A on the coding strand, the complement: BARD1 is on the minus strand). VCF-style: chr2-214745735-C-T. GRCh37 (hg19) VCF-style: chr2-215610459-C-T.
Other names: c.1740G>A, p.Glu580= (NM_001282543.2); c.444G>A, p.Glu148= (NM_001282545.2); c.387G>A, p.Glu129= (NM_001282548.2); c.365-15227G>A (NM_001282549.2).
Identifiers: ClinVar variation 530254 (VCV000530254.17), dbSNP rs1317068399, ClinGen allele CA431145833.